The following is an entry in ClinVar:

ClinVar aggregate classification (germline): Likely benign. Review status: criteria provided, multiple submitters, no conflicts (2 of 4 stars). 8 submissions from 8 submitters: Likely benign (7). 1 of the submissions does not count toward it. Last evaluated 2026-01-29.

Conditions:
BRIP1-related disorder. Also called: BRIP1-related condition; BRIP1-related disorders. Identifiers: MedGen CN239206.
Hereditary cancer-predisposing syndrome. Also called: Tumor predisposition; Neoplastic Syndromes, Hereditary; Hereditary Cancer Syndrome; Hereditary neoplastic syndrome. Identifiers: Orphanet 140162, MedGen C0027672, MeSH D009386, MONDO:0015356.
Fanconi anemia complementation group J. Also called: BRIP1-Related Fanconi Anemia. Identifiers: Orphanet 84, MedGen C1836860, MONDO:0012187, OMIM 609054.
Familial cancer of breast. Also called: BREAST CANCER, FAMILIAL; Hereditary breast cancer; hereditary breast carcinoma. Identifiers: Orphanet 227535, MedGen C0346153, MONDO:0016419, OMIM 114480. Disease mechanism: loss of function.

Allele frequency attached by ClinVar (database versions not stated): gnomAD exomes 0.00001 and 0.00002; ExAC 0.00003.
gnomAD v4.1: 7 of 1,576,726 alleles (0.00044%); highest among the groups gnomAD compares: East Asian, 0.013%; no homozygotes.

Submissions (8):

Labcorp Genetics (formerly Invitae), Labcorp
Classification: Likely benign for Familial cancer of breast; Fanconi anemia complementation group J. Last evaluated: 2026-01-29. Review status: criteria provided, single submitter. Criteria: Invitae Variant Classification Sherloc (09022015). Collection method: clinical testing. Allele origin: germline.

Quest Diagnostics Nichols Institute San Juan Capistrano
Classification: Likely benign. Last evaluated: 2025-01-23. Review status: criteria provided, single submitter. Criteria: Quest Diagnostics criteria. Collection method: clinical testing. Allele origin: unknown.

Myriad Genetics, Inc.
Classification: Likely benign for Familial cancer of breast. Last evaluated: 2024-08-09. Review status: criteria provided, single submitter. Criteria: Myriad Autosomal Dominant, Autosomal Recessive and X-Linked Classification Criteria (2023). Collection method: clinical testing. Allele origin: unknown.
Comment: This variant is considered likely benign. This variant is intronic and is not expected to impact mRNA splicing.

Department of Pathology and Laboratory Medicine, Sinai Health System
Classification: Likely benign for Familial cancer of breast. Last evaluated: 2022-11-07. Review status: criteria provided, single submitter. Criteria: ACMG Guidelines, 2015. Collection method: clinical testing. Allele origin: germline. Affected: yes.

Ambry Genetics
Classification: Likely benign for Hereditary cancer-predisposing syndrome. Last evaluated: 2022-01-11. Review status: criteria provided, single submitter. Criteria: Ambry Variant Classification Scheme 2023. Collection method: clinical testing. Allele origin: germline.

Women's Health and Genetics/Laboratory Corporation of America, LabCorp
Classification: Likely benign. Last evaluated: 2021-04-16. Review status: criteria provided, single submitter. Criteria: LabCorp Variant Classification Summary - May 2015. Collection method: clinical testing. Allele origin: germline.
Comment: Variant summary: BRIP1 c.94-4A>G alters a non-conserved nucleotide located close to a canonical splice site and therefore could affect mRNA splicing, leading to a significantly altered protein sequence. 4/4 computational tools predict no significant impact on normal splicing. However, these predictions have yet to be confirmed by functional studies. The variant allele was found at a frequency of 2e-05 in 251268 control chromosomes. The available data on variant occurrences in the general population are insufficient to allow any conclusion about variant significance. To our knowledge, no occurrence of c.94-4A>G in individuals affected with Hereditary Breast And Ovarian Cancer Syndrome and no experimental evidence demonstrating its impact on protein function have been reported. Two clinical diagnostic laboratories have submitted clinical-significance assessments for this variant to ClinVar after 2014 without evidence for independent evaluation. One laboratory classified the variant as likely benign, and one laboratory classified the variant as uncertain significance. Based on the evidence outlined above, the variant was classified as likely benign.

Color Diagnostics, LLC DBA Color Health
Classification: Likely benign for Hereditary cancer-predisposing syndrome. Last evaluated: 2016-12-16. Review status: criteria provided, single submitter. Criteria: ACMG Guidelines, 2015. Collection method: clinical testing. Allele origin: germline.

PreventionGenetics, part of Exact Sciences
Classification: Likely benign for BRIP1-related condition. Last evaluated: 2024-06-28. Review status: no assertion criteria provided. Collection method: clinical testing. Allele origin: germline. Not counted in ClinVar's aggregate classification.
Comment: This variant is classified as likely benign based on ACMG/AMP sequence variant interpretation guidelines (Richards et al. 2015 PMID: 25741868, with internal and published modifications).

NM_032043.3(BRIP1):c.94-4A>G

Gene: BRIP1 (BRCA1 interacting DNA helicase 1; minus strand). Cytogenetic location: 17q23.2.
Variant type: single nucleotide variant.
Coding change: c.94-4A>G on transcript NM_032043.3 (MANE Select); 4 bases into the intron before coding-DNA position 94, A replaced by G.
Molecular consequence: intron variant.
Genome position (GRCh38, 1-based): chr17:61,859,911, T>C on the plus strand (A>G on the coding strand, the complement: BRIP1 is on the minus strand). VCF-style: chr17-61859911-T-C. GRCh37 (hg19) VCF-style: chr17-59937272-T-C.
Identifiers: ClinVar variation 479433 (VCV000479433.23), dbSNP rs765154059, ClinGen allele CA8690998.
Genomic context (GRCh38, chr17:61,859,911, plus strand): 5'-ACTTCCTGTGGGACTCTCCAACAAACAATGTTGCTTGCTGTTTAATCCTCTGAGAATCTA[T>C]GAACACAGAAACCAATGAAAATAATAAACATATTAACTTTATAAAGGTCTCTCTCCATCT-3'